The following is an entry in ClinVar:

ClinVar aggregate classification (germline): Uncertain significance (1 of 4 stars; one submission).

Conditions:
Long QT syndrome (LQTS). Identifiers: MedGen C0023976, MeSH D008133, MONDO:0002442. Disease mechanism: loss of function. Inheritance: Various modes of inheritance.

Submission:

All of Us Research Program, National Institutes of Health
Classification: Uncertain significance for Long QT syndrome. Last evaluated: 2023-06-28. Review status: criteria provided, single submitter. Criteria: ACMG Guidelines, 2015. Collection method: clinical testing. Allele origin: germline. Inheritance: Autosomal dominant inheritance. Observed: 1 variant allele, 1 heterozygote.
Comment: This study involves interpretation of variants in research participants for the purpose of population health screening. Participant phenotype was not available at the time of variant classification. Additional details can be found in publication PMID: 35346344, PMCID: PMC8962531

NM_000238.4(KCNH2):c.1225G>C (p.Val409Leu)

Gene: KCNH2 (potassium voltage-gated channel subfamily H member 2; minus strand). Cytogenetic location: 7q36.1.
Variant type: single nucleotide variant.
Coding change: c.1225G>C on transcript NM_000238.4 (MANE Select); coding-DNA position 1225, G replaced by C.
Protein change: p.Val409Leu; replaces valine 409 with leucine.
Molecular consequence: missense variant. On other transcripts: non-coding transcript variant (2).
Genome position (GRCh38, 1-based): chr7:150,952,757, C>G on the plus strand (G>C on the coding strand, the complement: KCNH2 is on the minus strand). VCF-style: chr7-150952757-C-G. GRCh37 (hg19) VCF-style: chr7-150649845-C-G.
Other names: c.205G>C, p.Val69Leu (NM_001204798.2, NM_172057.3); c.937G>C, p.Val313Leu (NM_001406753.1, NM_001406756.1); c.1048G>C, p.Val350Leu (NM_001406755.1); c.925G>C, p.Val309Leu (NM_001406757.1); c.1225G>C, p.Val409Leu (NM_172056.3); short protein forms V309L, V313L, V350L, V409L, V69L.
Identifiers: ClinVar variation 3072093 (VCV003072093.1), dbSNP rs539146547, ClinGen allele CA369860175.
Genomic context (GRCh38, chr7:150,952,757, plus strand): 5'-CCGAGTAGGGTGTGAAGACAGCCGTGTAGATGACCAGCAGCAGGATGAGCCAGTCCCACA[C>G]GGCCTTGAAGGGGCTGTAATGCAGGATGGTCCAGCGGTGGATGCGCGGTGCCTGCAGCTT-3'
Protein context (NP_000229.1, residues 399-419): TILHYSPFKA[Val409Leu]WDWLILLLVI